The following is an entry in ClinVar:

ClinVar aggregate classification (germline): Uncertain significance. Review status: criteria provided, single submitter (1 of 4 stars). 2 submissions from 2 submitters: Uncertain significance (1). 1 of the submissions does not count toward it. Last evaluated 2025-04-29.

Conditions:
Ataxia-telangiectasia syndrome (AT). Also called: Ataxia-telangiectasia, complementation group E; Ataxia-telangiectasia, complementation group D; ATAXIA-TELANGIECTASIA, COMPLEMENTATION GROUP A; ATAXIA-TELANGIECTASIA, FRESNO VARIANT; Cerebello-oculocutaneous telangiectasia; Immunodeficiency with ataxia telangiectasia. Identifiers: Orphanet 100, MedGen C0004135, MONDO:0008840, OMIM 208900.
ATM-related disorder. Also called: ATM-related disorders; ATM-related condition.

Submissions (2):

Labcorp Genetics (formerly Invitae), Labcorp
Classification: Uncertain significance for Ataxia-telangiectasia syndrome. Last evaluated: 2025-04-29. Review status: criteria provided, single submitter. Criteria: Invitae Variant Classification Sherloc (09022015). Collection method: clinical testing. Allele origin: germline.
Comment: This sequence change replaces glycine, which is neutral and non-polar, with aspartic acid, which is acidic and polar, at codon 197 of the ATM protein (p.Gly197Asp). Information on the frequency of this variant in the gnomAD database is not available, as this variant may be reported differently in the database. This variant has not been reported in the literature in individuals affected with ATM-related conditions. ClinVar contains an entry for this variant (Variation ID: 3350157). An algorithm developed to predict the effect of missense changes on protein structure and function (PolyPhen-2) suggests that this variant is likely to be disruptive. In summary, the available evidence is currently insufficient to determine the role of this variant in disease. Therefore, it has been classified as a Variant of Uncertain Significance.

PreventionGenetics, part of Exact Sciences
Classification: Uncertain significance for ATM-related condition. Last evaluated: 2024-03-29. Review status: no assertion criteria provided. Collection method: clinical testing. Allele origin: germline. Not counted in ClinVar's aggregate classification.
Comment: The ATM c.590_591delinsAT variant is predicted to result in an in-frame deletion and insertion. To our knowledge, this variant has not been reported in the literature or in a large population database, indicating this variant is rare. Alternative variant at this codon p.Gly197Glu was observed in homozygous state in patient with Ataxia Telangiectasia (Carrillo et al. 2009. PubMed ID: 18846412; Table S1, Schon et al. 2019. PubMed ID: 30549301; Table S1, Jackson et al. 2016. PubMed ID: 26896183). At this time, the clinical significance of p.Gly197Asp variant is uncertain due to the absence of conclusive functional and genetic evidence.

NM_000051.4(ATM):c.590_591delinsAT (p.Gly197Asp)

Gene: ATM (ATM serine/threonine kinase; plus strand). Cytogenetic location: 11q22.3.
Variant type: Indel.
Coding change: c.590_591delinsAT on transcript NM_000051.4 (MANE Select); coding-DNA positions 590 to 591, GA replaced by AT.
Protein change: p.Gly197Asp; replaces glycine 197 with aspartic acid.
Molecular consequence: missense variant.
Genome position (GRCh38, 1-based): chr11:108,244,046-108,244,047, GA replaced by AT. VCF-style: chr11-108244046-GA-AT. GRCh37 (hg19) VCF-style: chr11-108114773-GA-AT.
Other names: c.590_591delGAinsAT, p.Gly197Asp (NM_000051.3); c.590_591delinsAT, p.Gly197Asp (NM_001351834.2); short protein forms G197D.
Identifiers: ClinVar variation 3350157 (VCV003350157.2).
Genomic context (GRCh38, chr11:108,244,046, plus strand): 5'-AACCTTCACAAGATGTTCATAGAGTTTTAGTGGCTAGAATAATTCATGCTGTTACCAAAG[GA>AT]TGCTGTTCTCAGACTGACGGATTAAATTCCAAATTTTTGGACTTTTTTTCCAAGGCTATT-3'
Protein context (NP_000042.3, residues 187-207): VARIIHAVTK[Gly197Asp]CCSQTDGLNS